The following is an entry in ClinVar:

NM_000543.5(SMPD1):c.1168G>C (p.Glu390Gln)

Gene: SMPD1 (sphingomyelin phosphodiesterase 1; plus strand). Cytogenetic location: 11p15.4.
Variant type: single nucleotide variant.
Coding change: c.1168G>C on transcript NM_000543.5 (MANE Select); coding-DNA position 1168, G replaced by C.
Protein change: p.Glu390Gln; replaces glutamic acid 390 with glutamine.
Molecular consequence: missense variant. On other transcripts: non-coding transcript variant (1), intron variant (1).
Genome position (GRCh38, 1-based): chr11:6,393,292, G>C. VCF-style: chr11-6393292-G-C. GRCh37 (hg19) VCF-style: chr11-6414522-G-C.
Other names: c.1165G>C, p.Glu389Gln (NM_001007593.3); c.1168G>C, p.Glu390Gln (NM_001318087.2); c.247G>C, p.Glu83Gln (NM_001318088.2); c.1132-325G>C (NM_001365135.2); short protein forms E390Q, E83Q, E389Q.
Identifiers: ClinVar variation 2002397 (VCV002002397.4), dbSNP rs1848019149, ClinGen allele CA379373181.
Genomic context (GRCh38, chr11:6,393,292, plus strand): 5'-GCTCTTTCCCCATACCCCGGTCTCCGCCTCATCTCTCTCAATATGAATTTTTGTTCCCGT[G>C]AGAACTTCTGGCTCTTGATCAACTCCACGGATCCCGCAGGACAGCTCCAGTGGCTGGTGG-3'
Protein context (NP_000534.3, residues 380-400): ISLNMNFCSR[Glu390Gln]NFWLLINSTD

ClinVar aggregate classification (germline): Uncertain significance (1 of 4 stars; one submission).

Conditions:
Niemann-Pick disease, type A. Also called: SPHINGOMYELIN LIPIDOSIS; SPHINGOMYELINASE DEFICIENCY; Infantile Neurovisceral ASMD (Niemann-Pick Disease Type A; NPD-A). Identifiers: Orphanet 77292, MedGen C0268242, MONDO:0009756, OMIM 257200. Disease mechanism: loss of function.
Niemann-Pick disease, type B. Also called: Chronic Visceral ASMD (Niemann-Pick Disease Type B; NPD-B). Identifiers: Orphanet 77293, MedGen C0268243, MONDO:0011871, OMIM 607616. Disease mechanism: loss of function.

Submission:

Labcorp Genetics (formerly Invitae), Labcorp
Classification: Uncertain significance for Niemann-Pick disease, type B; Niemann-Pick disease, type A. Last evaluated: 2022-06-05. Review status: criteria provided, single submitter. Criteria: Invitae Variant Classification Sherloc (09022015). Collection method: clinical testing. Allele origin: germline.
Comment: In summary, the available evidence is currently insufficient to determine the role of this variant in disease. Therefore, it has been classified as a Variant of Uncertain Significance. Algorithms developed to predict the effect of sequence changes on RNA splicing suggest that this variant may disrupt the consensus splice site. Algorithms developed to predict the effect of missense changes on protein structure and function (SIFT, PolyPhen-2, Align-GVGD) all suggest that this variant is likely to be tolerated. This variant has not been reported in the literature in individuals affected with SMPD1-related conditions. This variant is not present in population databases (gnomAD no frequency). This sequence change replaces glutamic acid, which is acidic and polar, with glutamine, which is neutral and polar, at codon 390 of the SMPD1 protein (p.Glu390Gln).